The following is an entry in ClinVar:

ClinVar aggregate classification (germline): Uncertain significance (1 of 4 stars; one submission).

Conditions:
Familial thoracic aortic aneurysm and aortic dissection (TAAD). Also called: Thoracic aortic aneurysms and dissections. Identifiers: Orphanet 91387, MedGen C4707243, MONDO:0019625.

Allele frequency attached by ClinVar (database versions not stated): gnomAD exomes below 0.00001.
gnomAD v4.1: 1 of 1,613,848 alleles (0.000062%); highest among the groups gnomAD compares: South Asian, 0.0011%; no homozygotes.

Submission:

All of Us Research Program, National Institutes of Health
Classification: Uncertain significance for Familial thoracic aortic aneurysm and aortic dissection. Last evaluated: 2023-09-04. Review status: criteria provided, single submitter. Criteria: ACMG Guidelines, 2015. Collection method: clinical testing. Allele origin: germline. Inheritance: Autosomal dominant inheritance. Observed: 1 variant allele, 1 heterozygote.
Comment: This missense variant replaces methionine with valine at codon 294 of the MYH11 protein. Computational prediction suggests that this variant may not impact protein structure and function (internally defined REVEL score threshold <= 0.5, PMID: 27666373). To our knowledge, functional studies have not been reported for this variant. This variant has not been reported in individuals affected with MYH11-related disorders in the literature. This variant has not been identified in the general population by the Genome Aggregation Database (gnomAD). The available evidence is insufficient to determine the role of this variant in disease conclusively. Therefore, this variant is classified as a Variant of Uncertain Significance.

This study involves interpretation of variants in research participants for the purpose of population health screening. Participant phenotype was not available at the time of variant classification. Additional details can be found in publication PMID: 35346344, PMCID: PMC8962531

NM_002474.3(MYH11):c.859A>G (p.Met287Val)

Gene: MYH11 (myosin heavy chain 11; minus strand). Cytogenetic location: 16p13.11.
Variant type: single nucleotide variant.
Coding change: c.859A>G on transcript NM_002474.3 (MANE Select); coding-DNA position 859, A replaced by G.
Protein change: p.Met287Val; replaces methionine 287 with valine.
Molecular consequence: missense variant.
Genome position (GRCh38, 1-based): chr16:15,776,108, T>C on the plus strand (A>G on the coding strand, the complement: MYH11 is on the minus strand). VCF-style: chr16-15776108-T-C. GRCh37 (hg19) VCF-style: chr16-15869965-T-C.
Other names: c.880A>G, p.Met294Val (NM_001040113.2, NM_001040114.2); c.859A>G, p.Met287Val (NM_022844.3); short protein forms M287V, M294V.
Identifiers: ClinVar variation 3073307 (VCV003073307.1), dbSNP rs2151296092, ClinGen allele CA394869484.
Genomic context (GRCh38, chr16:15,776,108, plus strand): 5'-TCCAATCACATGTCATTGCTAGTCACTTACTTCTCATCTTCTCCTTGGCTCCAGCAATCA[T>C]GTAGTAAAAGATGTGGAATGTCCTCTCGTCTCTGGCTTGGCGAATTGCCCGTGATTTTTC-3'
Protein context (NP_002465.1, residues 277-297): DERTFHIFYY[Met287Val]IAGAKEKMRS